The following is an entry in ClinVar:

NM_004984.4(KIF5A):c.3084G>A (p.Glu1028=)

Gene: KIF5A (kinesin family member 5A; plus strand). Cytogenetic location: 12q13.3.
Variant type: single nucleotide variant.
Coding change: c.3084G>A on transcript NM_004984.4 (MANE Select); coding-DNA position 3084, G replaced by A.
Protein change: p.Glu1028=; no amino-acid change (glutamic acid 1028 retained).
Molecular consequence: synonymous variant.
Genome position (GRCh38, 1-based): chr12:57,583,164, G>A. VCF-style: chr12-57583164-G-A. GRCh37 (hg19) VCF-style: chr12-57976947-G-A.
Other names: c.2817G>A, p.Glu939= (NM_001354705.2).
Identifiers: ClinVar variation 3778216 (VCV003778216.7).
Genomic context (GRCh38, chr12:57,583,164, plus strand): 5'-TGACCTGCCGTGTGGCTATGAGGCTGAGGACCAGGCCAAGCTTTTCCCTCTCCACCAAGA[G>A]ACAGCAGCCAGCTAATCTCCCACACCCACGGCTGCATACCTGCACTTTCAGGTAGCGTCA-3'
Protein context (NP_004975.2, residues 1018-1032): DQAKLFPLHQ[Glu1028=]TAAS

ClinVar aggregate classification (germline): Uncertain significance (1 of 4 stars; one submission).

Submission:

CeGaT Center for Human Genetics Tuebingen
Classification: Uncertain significance. Last evaluated: 2025-02-01. Review status: criteria provided, single submitter. Criteria: CeGaT Center For Human Genetics Tuebingen Variant Classification Criteria Version 2. Collection method: clinical testing. Allele origin: germline. Affected: yes. Observed: 1 variant allele.
Comment: KIF5A: PM2:Supporting, BP4